The following is an entry in ClinVar:

NM_005993.5(TBCD):c.3518G>A (p.Arg1173His)

Gene: TBCD (tubulin folding cofactor D). Cytogenetic location: 17q25.3.
Variant type: single nucleotide variant.
Coding change: c.3518G>A on transcript NM_005993.5 (MANE Select); coding-DNA position 3518, G replaced by A.
Protein change: p.Arg1173His; replaces arginine 1173 with histidine.
Molecular consequence: missense variant.
Genome position (GRCh38, 1-based): chr17:82,941,437, G>A. VCF-style: chr17-82941437-G-A. GRCh37 (hg19) VCF-style: chr17-80899313-G-A.
Other names: p.Arg1173His; short protein forms R1173H.
Identifiers: ClinVar variation 720061 (VCV000720061.50), dbSNP rs188081246, ClinGen allele CA8863682.

ClinVar aggregate classification (germline): Conflicting classifications of pathogenicity. Review status: criteria provided, conflicting classifications (1 of 4 stars). 6 submissions from 6 submitters: Uncertain significance (1); Benign (3); Likely benign (2). Last evaluated 2026-05-01.

Conditions:
Intellectual disability. Also called: Intellectual developmental disorder; intellectual disabilities; Intellectual functioning disability. Identifiers: MedGen C3714756, MeSH D008607, MONDO:0001071, HP:0001249.

Allele frequency attached by ClinVar (database versions not stated): ExAC 0.00455; 1000 Genomes Project 30x 0.00156; 1000 Genomes Project 0.00160; TOPMed 0.00217; ESP Exome Variant Server 0.00221; gnomAD 0.00243 and 0.00255; gnomAD exomes 0.00280 and 0.00388.
gnomAD v4.1: 5,942 of 1,602,928 alleles (0.37%); highest among the groups gnomAD compares: Non-Finnish European, 0.43%; 15 homozygotes.

Submissions (6):

CeGaT Center for Human Genetics Tuebingen
Classification: Likely benign. Last evaluated: 2026-05-01. Review status: criteria provided, single submitter. Criteria: CeGaT Center For Human Genetics Tuebingen Variant Classification Criteria Version 2. Collection method: clinical testing. Allele origin: germline. Affected: yes. Observed: 11 variant alleles.
Comment: TBCD: BP4, BS2

Labcorp Genetics (formerly Invitae), Labcorp
Classification: Benign. Last evaluated: 2026-02-04. Review status: criteria provided, single submitter. Criteria: Invitae Variant Classification Sherloc (09022015). Collection method: clinical testing. Allele origin: germline.

Women's Health and Genetics/Laboratory Corporation of America, LabCorp
Classification: Benign. Last evaluated: 2025-12-02. Review status: criteria provided, single submitter. Criteria: LabCorp Variant Classification Summary - May 2015. Collection method: clinical testing. Allele origin: germline.
Comment: Variant summary: TBCD c.3518G>A (p.Arg1173His) results in a non-conservative amino acid change located in the C-terminal domain (IPR022577) of the encoded protein sequence. Algorithms developed to predict the effect of missense changes on protein structure and function are either unavailable or do not agree on the potential impact of this missense change. The variant allele was found at a frequency of 0.0037 in 1595966 control chromosomes in the gnomAD database, including 15 homozygotes. The observed variant frequency exceeds the estimated maximal expected allele frequency for disease-causing variants in TBCD. To our knowledge, no occurrence of c.3518G>A in individuals affected with TBCD-related conditions and no experimental evidence demonstrating its impact on protein function have been reported. ClinVar contains an entry for this variant (Variation ID: 720061). Based on the evidence outlined above, the variant was classified as benign.

Mayo Clinic Laboratories, Mayo Clinic
Classification: Benign. Last evaluated: 2025-09-04. Review status: criteria provided, single submitter. Criteria: ACMG Guidelines, 2015. Collection method: clinical testing. Allele origin: germline. Observed: 3 variant alleles.
Comment: BS1, BS2, BP4_moderate

Blueprint Genetics
Classification: Likely benign. Last evaluated: 2024-10-22. Review status: criteria provided, single submitter. Criteria: ACMG Guidelines, 2015. Collection method: clinical testing. Allele origin: germline.

Cambridge Genomics Laboratory, East Genomic Laboratory Hub, NHS Genomic Medicine Service
Classification: Uncertain significance for Intellectual disability. Last evaluated: 2020-05-13. Review status: criteria provided, single submitter. Criteria: ACGS Best Practice Guidelines for Variant Classification in Rare Disease 2020. Collection method: clinical testing. Allele origin: germline. Affected: yes. Observed: 1 variant allele.